The following is an entry in ClinVar:

NM_020693.4(DSCAML1):c.-32C>T

Gene: DSCAML1 (DS cell adhesion molecule like 1; minus strand). Cytogenetic location: 11q23.3.
Variant type: single nucleotide variant.
Coding change: c.-32C>T on transcript NM_020693.4 (MANE Select); 32 bases upstream of the start codon, C replaced by T.
Molecular consequence: 5 prime UTR variant. On other transcripts: intron variant (1).
Genome position (GRCh38, 1-based): chr11:117,797,111, G>A on the plus strand (C>T on the coding strand, the complement: DSCAML1 is on the minus strand). VCF-style: chr11-117797111-G-A. GRCh37 (hg19) VCF-style: chr11-117667826-G-A.
Other names: c.-32C>T (NM_001367904.1); c.-362-16301C>T (NM_001367905.1).
Identifiers: ClinVar variation 2422043 (VCV002422043.6), dbSNP rs754930113, ClinGen allele CA6297689.

ClinVar aggregate classification (germline): Uncertain significance (1 of 4 stars; one submission).

Allele frequency attached by ClinVar (database versions not stated): gnomAD 0.00003; gnomAD exomes 0.00003; ExAC 0.00007.
gnomAD v4.1: 48 of 1,589,594 alleles (0.003%); highest among the groups gnomAD compares: South Asian, 0.044%; no homozygotes.

Submission:

Labcorp Genetics (formerly Invitae), Labcorp
Classification: Uncertain significance. Last evaluated: 2022-04-12. Review status: criteria provided, single submitter. Criteria: Invitae Variant Classification Sherloc (09022015). Collection method: clinical testing. Allele origin: germline.
Comment: In summary, the available evidence is currently insufficient to determine the role of this variant in disease. Therefore, it has been classified as a Variant of Uncertain Significance. Algorithms developed to predict the effect of missense changes on protein structure and function are either unavailable or do not agree on the potential impact of this missense change (SIFT: "Deleterious"; PolyPhen-2: "Not Available"; Align-GVGD: "Class C0"). This variant has not been reported in the literature in individuals affected with DSCAML1-related conditions. This variant is present in population databases (rs754930113, gnomAD 0.04%). This sequence change replaces proline, which is neutral and non-polar, with leucine, which is neutral and non-polar, at codon 50 of the DSCAML1 protein (p.Pro50Leu).